The following is an entry in ClinVar:

ClinVar aggregate classification (germline): Uncertain significance (1 of 4 stars; one submission).

Submission:

Genomics, Genetics and Epigenetics Laboratory, Medical College of Wisconsin
Classification: Uncertain significance. Last evaluated: 2025-08-21. Review status: criteria provided, single submitter. Criteria: ACMG Guidelines, 2015. Collection method: research. Allele origin: de novo. Affected: yes.
Comment: The NM_001076786.3:c.4694del is predicted to lead to frameshift and nonsense-mediated decay. The variant is de novo and absent in gnomAD v4.1.0

NM_001076786.3(QSER1):c.4694del (p.Lys1565fs)

Gene: QSER1 (glutamine and serine rich 1; plus strand). Cytogenetic location: 11p13.
Variant type: Deletion.
Coding change: c.4694del on transcript NM_001076786.3 (MANE Select); coding-DNA position 4694, one base deleted (A; older notation c.4694delA).
Protein change: p.Lys1565fs; shifts the reading frame from lysine 1565.
Molecular consequence: frameshift variant.
Genome position (GRCh38, 1-based): chr11:32,956,064, A deleted; the last of 2 consecutive A bases (chr11:32,956,063-32,956,064); deleting either gives the same sequence. VCF-style (leftmost placement, unchanged base first): chr11-32956062-GA-G. GRCh37 (hg19) VCF-style: chr11-32977608-GA-G.
Other names: c.4694del, p.Lys1565fs (NM_001416036.1, NM_001416037.1, NM_001416039.1); c.4532del, p.Lys1511fs (NM_001416038.1); short protein forms K1511fs, K1565fs.
Identifiers: ClinVar variation 4076970 (VCV004076970.1).